The following is an entry in ClinVar:

NM_002661.5(PLCG2):c.2200C>A (p.Pro734Thr)

Gene: PLCG2 (phospholipase C gamma 2; plus strand). Cytogenetic location: 16q23.3.
Variant type: single nucleotide variant.
Coding change: c.2200C>A on transcript NM_002661.5 (MANE Select); coding-DNA position 2200, C replaced by A.
Protein change: p.Pro734Thr; replaces proline 734 with threonine.
Molecular consequence: missense variant.
Genome position (GRCh38, 1-based): chr16:81,919,629, C>A. VCF-style: chr16-81919629-C-A. GRCh37 (hg19) VCF-style: chr16-81953234-C-A.
Other names: c.2200C>A, p.Pro734Thr (NM_001425749.1, NM_001425750.1, NM_001425751.1); short protein forms P734T.
Identifiers: ClinVar variation 2697740 (VCV002697740.3), dbSNP rs2507701326, ClinGen allele CA396902113.
Genomic context (GRCh38, chr16:81,919,629, plus strand): 5'-GTGGAGCTCGTCAGTTACTACGAGAAGCATTCACTCTACCGAAAGATGAGACTGCGCTAC[C>A]CCGTGACCCCCGAGCTCCTGGAGCGCTACAATATGGTAGGTGGTGGACTCCCTTGTGATT-3'
Protein context (NP_002652.2, residues 724-744): SLYRKMRLRY[Pro734Thr]VTPELLERYN

ClinVar aggregate classification (germline): Uncertain significance (1 of 4 stars; one submission).

Conditions:
Familial cold autoinflammatory syndrome 3 (FCAS3). Also called: FAMILIAL ATYPICAL COLD URTICARIA; ANTIBODY DEFICIENCY AND IMMUNE DYSREGULATION, PLCG2-ASSOCIATED. Identifiers: Orphanet 300359, MedGen C3280914, MONDO:0013766, OMIM 614468.

Submission:

Labcorp Genetics (formerly Invitae), Labcorp
Classification: Uncertain significance for Familial cold autoinflammatory syndrome 3. Last evaluated: 2023-11-20. Review status: criteria provided, single submitter. Criteria: Invitae Variant Classification Sherloc (09022015). Collection method: clinical testing. Allele origin: germline.
Comment: This sequence change replaces proline, which is neutral and non-polar, with threonine, which is neutral and polar, at codon 734 of the PLCG2 protein (p.Pro734Thr). This variant is not present in population databases (gnomAD no frequency). This variant has not been reported in the literature in individuals affected with PLCG2-related conditions. An algorithm developed to predict the effect of missense changes on protein structure and function (PolyPhen-2) suggests that this variant is likely to be tolerated. In summary, the available evidence is currently insufficient to determine the role of this variant in disease. Therefore, it has been classified as a Variant of Uncertain Significance.